The following is an entry in ClinVar:

NM_014141.6(CNTNAP2):c.1596T>G (p.Asn532Lys)

Gene: CNTNAP2 (contactin associated protein 2; plus strand). Cytogenetic location: 7q35.
Variant type: single nucleotide variant.
Coding change: c.1596T>G on transcript NM_014141.6 (MANE Select); coding-DNA position 1596, T replaced by G.
Protein change: p.Asn532Lys; replaces asparagine 532 with lysine.
Molecular consequence: missense variant.
Genome position (GRCh38, 1-based): chr7:147,395,706, T>G. VCF-style: chr7-147395706-T-G. GRCh37 (hg19) VCF-style: chr7-147092798-T-G.
Other names: short protein forms N532K.
Identifiers: ClinVar variation 2106905 (VCV002106905.4), dbSNP rs2535754896, ClinGen allele CA369925597.

ClinVar aggregate classification (germline): Uncertain significance (1 of 4 stars; one submission).

Conditions:
Cortical dysplasia-focal epilepsy syndrome (PTHSL1). Also called: Pitt-Hopkins-like syndrome 1. Identifiers: Orphanet 163681, Orphanet 221150, MedGen C2750246, MONDO:0012400, OMIM 610042.

Allele frequency attached by ClinVar (database versions not stated): gnomAD exomes below 0.00001.
gnomAD v4.1: 2 of 1,612,604 alleles (0.00012%); highest among the groups gnomAD compares: South Asian, 0.0022%; no homozygotes.

Submission:

Labcorp Genetics (formerly Invitae), Labcorp
Classification: Uncertain significance for Cortical dysplasia-focal epilepsy syndrome. Last evaluated: 2024-02-23. Review status: criteria provided, single submitter. Criteria: Invitae Variant Classification Sherloc (09022015). Collection method: clinical testing. Allele origin: germline.
Comment: This sequence change replaces asparagine, which is neutral and polar, with lysine, which is basic and polar, at codon 532 of the CNTNAP2 protein (p.Asn532Lys). This variant is not present in population databases (gnomAD no frequency). This variant has not been reported in the literature in individuals affected with CNTNAP2-related conditions. ClinVar contains an entry for this variant (Variation ID: 2106905). An algorithm developed to predict the effect of missense changes on protein structure and function (PolyPhen-2) suggests that this variant is likely to be tolerated. In summary, the available evidence is currently insufficient to determine the role of this variant in disease. Therefore, it has been classified as a Variant of Uncertain Significance.